The following is an entry in ClinVar:

ClinVar aggregate classification (germline): Uncertain significance (1 of 4 stars; one submission).

Submission:

Labcorp Genetics (formerly Invitae), Labcorp
Classification: Uncertain significance. Last evaluated: 2017-01-10. Review status: criteria provided, single submitter. Criteria: Invitae Variant Classification Sherloc (09022015). Collection method: clinical testing. Allele origin: germline.
Comment: This variant has been reported in an individual with Sotos syndrome (PMID: 16247291). Parents were not available for testing. In summary, this variant is a rare missense change with uncertain impact on protein function. While it is absent from the population and reported in an affected individual, the available evidence is currently insufficient to determine its role in disease. Therefore, it has been classified as a Variant of Uncertain Significance. Algorithms developed to predict the effect of missense changes on protein structure and function do not agree on the potential impact of this missense change (SIFT: "Deleterious"; PolyPhen-2: "Probably Damaging"; Align-GVGD: "Class C0"). This variant is not present in population databases (ExAC no frequency). This sequence change replaces cysteine with tyrosine at codon 1619 of the NSD1 protein (p.Cys1619Tyr). The cysteine residue is moderately conserved and there is a large physicochemical difference between cysteine and tyrosine.

Literature cited by the submitters: PubMed 16247291.

NM_022455.5(NSD1):c.4856G>A (p.Cys1619Tyr)

Gene: NSD1 (nuclear receptor binding SET domain protein 1; plus strand). Cytogenetic location: 5q35.3.
Variant type: single nucleotide variant.
Coding change: c.4856G>A on transcript NM_022455.5 (MANE Select); coding-DNA position 4856, G replaced by A.
Protein change: p.Cys1619Tyr; replaces cysteine 1619 with tyrosine.
Molecular consequence: missense variant.
Genome position (GRCh38, 1-based): chr5:177,257,041, G>A. VCF-style: chr5-177257041-G-A. GRCh37 (hg19) VCF-style: chr5-176684042-G-A.
Other names: c.3983G>A, p.Cys1328Tyr (NM_001365684.2, NM_001409308.1, NM_001409309.1 and 1 more transcripts); c.4856G>A, p.Cys1619Tyr (NM_001409301.1, NM_001409302.1, NM_001409303.1); c.4436G>A, p.Cys1479Tyr (NM_001409304.1); c.4103G>A, p.Cys1368Tyr (NM_001409305.1); c.4094G>A, p.Cys1365Tyr (NM_001409306.1, NM_001409307.1); short protein forms C1619Y, C1350Y, C1368Y, C1328Y, C1479Y, C1365Y.
Identifiers: ClinVar variation 454053 (VCV000454053.10), dbSNP rs1554199411, ClinGen allele CA362355435.